The following is an entry in ClinVar:

ClinVar aggregate classification (germline): Uncertain significance (1 of 4 stars; one submission).

Conditions:
Autosomal dominant Parkinson disease 8. Also called: Parkinson disease 8, susceptibility to; LRRK2-Related Parkinson Disease; Parkinson disease 8. Identifiers: Orphanet 411602, MedGen C1846862, MONDO:0011764, OMIM 607060.

Submission:

Labcorp Genetics (formerly Invitae), Labcorp
Classification: Uncertain significance for Autosomal dominant Parkinson disease 8. Last evaluated: 2021-06-14. Review status: criteria provided, single submitter. Criteria: Invitae Variant Classification Sherloc (09022015). Collection method: clinical testing. Allele origin: germline.
Comment: This variant is not present in population databases (ExAC no frequency). This sequence change replaces cysteine with phenylalanine at codon 1123 of the LRRK2 protein (p.Cys1123Phe). The cysteine residue is moderately conserved and there is a large physicochemical difference between cysteine and phenylalanine. This variant has not been reported in the literature in individuals with LRRK2-related conditions. Algorithms developed to predict the effect of missense changes on protein structure and function (SIFT, PolyPhen-2, Align-GVGD) all suggest that this variant is likely to be tolerated, but these predictions have not been confirmed by published functional studies and their clinical significance is uncertain. In summary, the available evidence is currently insufficient to determine the role of this variant in disease. Therefore, it has been classified as a Variant of Uncertain Significance.

NM_198578.4(LRRK2):c.3368G>T (p.Cys1123Phe)

Gene: LRRK2 (leucine rich repeat kinase 2; plus strand). Cytogenetic location: 12q12.
Variant type: single nucleotide variant.
Coding change: c.3368G>T on transcript NM_198578.4 (MANE Select); coding-DNA position 3368, G replaced by T.
Protein change: p.Cys1123Phe; replaces cysteine 1123 with phenylalanine.
Molecular consequence: missense variant.
Genome position (GRCh38, 1-based): chr12:40,299,129, G>T. VCF-style: chr12-40299129-G-T. GRCh37 (hg19) VCF-style: chr12-40692931-G-T.
Other names: short protein forms C1123F.
Identifiers: ClinVar variation 1509829 (VCV001509829.8), dbSNP rs2136749679, ClinGen allele CA384415514.